The following is an entry in ClinVar:

NM_144631.6(ZNF513):c.943A>G (p.Thr315Ala)

Gene: ZNF513 (zinc finger protein 513; minus strand). Cytogenetic location: 2p23.3.
Variant type: single nucleotide variant.
Coding change: c.943A>G on transcript NM_144631.6 (MANE Select); coding-DNA position 943, A replaced by G.
Protein change: p.Thr315Ala; replaces threonine 315 with alanine.
Molecular consequence: missense variant.
Genome position (GRCh38, 1-based): chr2:27,378,228, T>C on the plus strand (A>G on the coding strand, the complement: ZNF513 is on the minus strand). VCF-style: chr2-27378228-T-C. GRCh37 (hg19) VCF-style: chr2-27601095-T-C.
Other names: c.757A>G, p.Thr253Ala (NM_001201459.2); short protein forms T253A, T315A.
Identifiers: ClinVar variation 1484486 (VCV001484486.6), dbSNP rs2148412500, ClinGen allele CA346216694.
Genomic context (GRCh38, chr2:27,378,228, plus strand): 5'-TGGCAGCTCCCAGCCGACTACCCTCACCCTCCTCCAGCTCTTGTCCACAGCCCCGGCAGG[T>C]CCAAGGGAATAGCAGCTCTGGCAGTGGTTCTGATCCAGTCCCGCAGAGGCCCTCCCCTTC-3'
Protein context (NP_653232.3, residues 305-325): EPLPELLFPW[Thr315Ala]CRGCGQELEE

ClinVar aggregate classification (germline): Uncertain significance (1 of 4 stars; one submission).

gnomAD v4.1: 1 of 1,604,610 alleles (0.000062%); highest among the groups gnomAD compares: Non-Finnish European, 0.000085%; no homozygotes.

Submission:

Labcorp Genetics (formerly Invitae), Labcorp
Classification: Uncertain significance. Last evaluated: 2022-07-06. Review status: criteria provided, single submitter. Criteria: Invitae Variant Classification Sherloc (09022015). Collection method: clinical testing. Allele origin: germline.
Comment: In summary, the available evidence is currently insufficient to determine the role of this variant in disease. Therefore, it has been classified as a Variant of Uncertain Significance. Algorithms developed to predict the effect of missense changes on protein structure and function output the following: SIFT: "Deleterious"; PolyPhen-2: "Benign"; Align-GVGD: "Class C55". The alanine amino acid residue is found in multiple mammalian species, which suggests that this missense change does not adversely affect protein function. ClinVar contains an entry for this variant (Variation ID: 1484486). This variant has not been reported in the literature in individuals affected with ZNF513-related conditions. This variant is not present in population databases (gnomAD no frequency). This sequence change replaces threonine, which is neutral and polar, with alanine, which is neutral and non-polar, at codon 315 of the ZNF513 protein (p.Thr315Ala).